The following is an entry in ClinVar:

ClinVar aggregate classification (germline): Likely benign. Review status: criteria provided, multiple submitters, no conflicts (2 of 4 stars). 3 submissions from 3 submitters: Likely benign (3). Last evaluated 2025-10-27.

Conditions:
Inborn genetic diseases. Identifiers: MedGen C0950123, MeSH D030342.
Early-infantile DEE. Also called: Ohtahara syndrome; Early infantile epileptic encephalopathy with suppression bursts; Early infantile epileptic encephalopathy. Identifiers: Orphanet 1934, MedGen C0393706, MONDO:0800491.

Allele frequency attached by ClinVar (database versions not stated): gnomAD 0.00001; TOPMed 0.00004.
gnomAD v4.1: 8 of 1,599,596 alleles (0.0005%); highest among the groups gnomAD compares: Admixed American, 0.0017%; no homozygotes.

Submissions (3):

Labcorp Genetics (formerly Invitae), Labcorp
Classification: Likely benign for Early-infantile DEE. Last evaluated: 2025-10-27. Review status: criteria provided, single submitter. Criteria: Invitae Variant Classification Sherloc (09022015). Collection method: clinical testing. Allele origin: germline.

Ambry Genetics
Classification: Likely benign for Inborn genetic diseases. Last evaluated: 2019-01-21. Review status: criteria provided, single submitter. Criteria: Ambry Variant Classification Scheme 2023. Collection method: clinical testing. Allele origin: germline.

GeneDx
Classification: Likely benign. Last evaluated: 2016-02-04. Review status: criteria provided, single submitter. Criteria: GeneDx Variant Classification (06012015). Collection method: clinical testing. Allele origin: germline. Affected: yes.
Comment: This variant is considered likely benign or benign based on one or more of the following criteria: it is a conservative change, it occurs at a poorly conserved position in the protein, it is predicted to be benign by multiple in silico algorithms, and/or has population frequency not consistent with disease.

NM_172107.4(KCNQ2):c.2331C>T (p.Pro777=)

Gene: KCNQ2 (potassium voltage-gated channel subfamily Q member 2; minus strand). Cytogenetic location: 20q13.33.
Variant type: single nucleotide variant.
Coding change: c.2331C>T on transcript NM_172107.4 (MANE Select); coding-DNA position 2331, C replaced by T.
Protein change: p.Pro777=; no amino-acid change (proline 777 retained).
Molecular consequence: synonymous variant.
Genome position (GRCh38, 1-based): chr20:63,406,932, G>A on the plus strand (C>T on the coding strand, the complement: KCNQ2 is on the minus strand). VCF-style: chr20-63406932-G-A. GRCh37 (hg19) VCF-style: chr20-62038285-G-A.
Other names: c.2247C>T, p.Pro749= (NM_004518.6); c.2277C>T, p.Pro759= (NM_172106.3); c.2238C>T, p.Pro746= (NM_172108.5).
Identifiers: ClinVar variation 383321 (VCV000383321.12), dbSNP rs903555499, ClinGen allele CA16609050.